The following is an entry in ClinVar:

ClinVar aggregate classification (germline): Conflicting classifications of pathogenicity. Review status: criteria provided, conflicting classifications (1 of 4 stars). 3 submissions from 3 submitters: Likely pathogenic (1); Uncertain significance (1). 1 of the submissions does not count toward it. Last evaluated 2026-05-18.

Conditions:
Autosomal dominant osteopetrosis 1 (OPTA1). Also called: OSTEOPETROSIS, AUTOSOMAL DOMINANT, TYPE I. Identifiers: Orphanet 2783, MedGen C1843330, MONDO:0011877, OMIM 607634.
Bone mineral density quantitative trait locus 1 (BMND1). Identifiers: MedGen C1866079, OMIM 601884.
Retinal dystrophy. Also called: Inherited retinal dystrophy. Identifiers: Orphanet 71862, MedGen C0854723, MeSH D058499, MONDO:0019118, HP:0000556.

Allele frequency attached by ClinVar (database versions not stated): gnomAD exomes below 0.00001.
gnomAD v4.1: 1 of 1,613,496 alleles (0.000062%); highest among the groups gnomAD compares: Non-Finnish European, 0.000085%; no homozygotes.

Submissions (3):

MVZ Martinsried, Medicover Genetics
Classification: Likely pathogenic for Autosomal dominant osteopetrosis 1. Last evaluated: 2026-05-18. Review status: criteria provided, single submitter. Criteria: ACGS Guidelines, 2020. Collection method: clinical testing. Allele origin: unknown. Affected: yes. Observed: 1 heterozygote.

MGZ Medical Genetics Center
Classification: Uncertain significance for Bone mineral density quantitative trait locus 1. Last evaluated: 2021-09-02. Review status: criteria provided, single submitter. Criteria: ACMG Guidelines, 2015. Collection method: clinical testing. Allele origin: germline. Affected: yes. Observed: 2 variant alleles.
Comment: ACMG criteria applied: PM1, PM2_SUP, PP2, PP3

Institute of Human Genetics, Univ. Regensburg, Univ. Regensburg
Classification: Likely pathogenic for Retinal dystrophy. Last evaluated: 2019-01-01. Review status: no assertion criteria provided. Criteria: ACMG Guidelines, 2015. Collection method: clinical testing. Allele origin: germline. Affected: yes. Not counted in ClinVar's aggregate classification.

NM_002335.4(LRP5):c.2576A>G (p.Tyr859Cys)

Gene: LRP5 (LDL receptor related protein 5; plus strand). Cytogenetic location: 11q13.2.
Variant type: single nucleotide variant.
Coding change: c.2576A>G on transcript NM_002335.4 (MANE Select); coding-DNA position 2576, A replaced by G.
Protein change: p.Tyr859Cys; replaces tyrosine 859 with cysteine.
Molecular consequence: missense variant.
Genome position (GRCh38, 1-based): chr11:68,413,761, A>G. VCF-style: chr11-68413761-A-G. GRCh37 (hg19) VCF-style: chr11-68181229-A-G.
Other names: c.833A>G, p.Tyr278Cys (NM_001291902.2); short protein forms Y278C, Y859C.
Identifiers: ClinVar variation 1709799 (VCV001709799.4), dbSNP rs1565091716, ClinGen allele CA381618357.